The following is an entry in ClinVar:

ClinVar aggregate classification (germline): Uncertain significance. Review status: criteria provided, multiple submitters, no conflicts (2 of 4 stars). 2 submissions from 2 submitters: Uncertain significance (2). Last evaluated 2025-01-17.

Conditions:
Febrile seizures, familial, 11 (FEB11). Also called: CONVULSIONS, FAMILIAL FEBRILE, 11. Identifiers: MedGen C3280734, MONDO:0024566, OMIM 614418.

Allele frequency attached by ClinVar (database versions not stated): gnomAD 0.00001; gnomAD exomes 0.00001 and 0.00002; ExAC 0.00002; TOPMed 0.00004.
gnomAD v4.1: 37 of 1,613,548 alleles (0.0023%); highest among the groups gnomAD compares: Middle Eastern, 0.033%; 1 homozygote.

Submissions (2):

Ambry Genetics
Classification: Uncertain significance. Last evaluated: 2025-01-17. Review status: criteria provided, single submitter. Criteria: Ambry Variant Classification Scheme 2023. Collection method: clinical testing. Allele origin: germline.

Labcorp Genetics (formerly Invitae), Labcorp
Classification: Uncertain significance for Febrile seizures, familial, 11. Last evaluated: 2024-02-26. Review status: criteria provided, single submitter. Criteria: Invitae Variant Classification Sherloc (09022015). Collection method: clinical testing. Allele origin: germline.
Comment: This sequence change replaces proline, which is neutral and non-polar, with leucine, which is neutral and non-polar, at codon 27 of the CPA6 protein (p.Pro27Leu). This variant is present in population databases (rs757926740, gnomAD 0.004%). This variant has not been reported in the literature in individuals affected with CPA6-related conditions. ClinVar contains an entry for this variant (Variation ID: 1018912). Algorithms developed to predict the effect of missense changes on protein structure and function output the following: SIFT: "Not Available"; PolyPhen-2: "Benign"; Align-GVGD: "Not Available". The leucine amino acid residue is found in multiple mammalian species, which suggests that this missense change does not adversely affect protein function. In summary, the available evidence is currently insufficient to determine the role of this variant in disease. Therefore, it has been classified as a Variant of Uncertain Significance.

NM_020361.5(CPA6):c.80C>T (p.Pro27Leu)

Gene: CPA6 (carboxypeptidase A6; minus strand). Cytogenetic location: 8q13.2.
Variant type: single nucleotide variant.
Coding change: c.80C>T on transcript NM_020361.5 (MANE Select); coding-DNA position 80, C replaced by T.
Protein change: p.Pro27Leu; replaces proline 27 with leucine.
Molecular consequence: missense variant.
Genome position (GRCh38, 1-based): chr8:67,746,050, G>A on the plus strand (C>T on the coding strand, the complement: CPA6 is on the minus strand). VCF-style: chr8-67746050-G-A. GRCh37 (hg19) VCF-style: chr8-68658285-G-A.
Other names: c.80C>T (NM_020361.4); short protein forms P27L.
Identifiers: ClinVar variation 1018912 (VCV001018912.9), dbSNP rs757926740, ClinGen allele CA4773103.